The following is an entry in ClinVar:

ClinVar aggregate classification (germline): Uncertain significance (1 of 4 stars; one submission).

Conditions:
Inborn genetic diseases. Identifiers: MedGen C0950123, MeSH D030342.

Submission:

Ambry Genetics
Classification: Uncertain significance for Inborn genetic diseases. Last evaluated: 2025-12-13. Review status: criteria provided, single submitter. Criteria: Ambry Variant Classification Scheme 2023. Collection method: clinical testing. Allele origin: germline.
Comment: The p.E100D variant (also known as c.300A>T), located in coding exon 3 of the CEP57 gene, results from an A to T substitution at nucleotide position 300. The glutamic acid at codon 100 is replaced by aspartic acid, an amino acid with highly similar properties. This amino acid position is conserved. In addition, this alteration is predicted to be deleterious by in silico analysis. Based on the available evidence, the clinical significance of this variant remains unclear.

NM_014679.5(CEP57):c.300A>T (p.Glu100Asp)

Gene: CEP57 (centrosomal protein 57; plus strand). Cytogenetic location: 11q21.
Variant type: single nucleotide variant.
Coding change: c.300A>T on transcript NM_014679.5 (MANE Select); coding-DNA position 300, A replaced by T.
Protein change: p.Glu100Asp; replaces glutamic acid 100 with aspartic acid.
Molecular consequence: missense variant. On other transcripts: intron variant (3).
Genome position (GRCh38, 1-based): chr11:95,813,029, A>T. VCF-style: chr11-95813029-A-T. GRCh37 (hg19) VCF-style: chr11-95546193-A-T.
Other names: c.300A>T, p.Glu100Asp (NM_001440871.1, NM_001440872.1, NM_001440874.1 and 4 more transcripts); c.219A>T, p.Glu73Asp (NM_001440875.1, NM_001440877.1, NM_001440878.1 and 3 more transcripts); c.203-439A>T (NM_001440873.1, NM_001440881.1); c.122-439A>T (NM_001440880.1); c.273A>T, p.Glu91Asp (NM_001243776.2); short protein forms E91D, E100D, E73D.
Identifiers: ClinVar variation 4613750 (VCV004613750.1).